The following is an entry in ClinVar:

ClinVar aggregate classification (germline): Uncertain significance (1 of 4 stars; one submission).

gnomAD v4.1: 7 of 1,613,534 alleles (0.00043%); highest among the groups gnomAD compares: East Asian, 0.0022%; no homozygotes.

Submission:

Mayo Clinic Laboratories, Mayo Clinic
Classification: Uncertain significance. Last evaluated: 2024-04-15. Review status: criteria provided, single submitter. Criteria: ACMG Guidelines, 2015. Collection method: clinical testing. Allele origin: germline. Observed: 1 variant allele.
Comment: BP4, PM2_moderate

NM_001278064.2(GRM1):c.3211C>T (p.Pro1071Ser)

Gene: GRM1 (glutamate metabotropic receptor 1; plus strand). Cytogenetic location: 6q24.3.
Variant type: single nucleotide variant.
Coding change: c.3211C>T on transcript NM_001278064.2 (MANE Select); coding-DNA position 3211, C replaced by T.
Protein change: p.Pro1071Ser; replaces proline 1071 with serine.
Molecular consequence: missense variant. On other transcripts: 3 prime UTR variant (3).
Genome position (GRCh38, 1-based): chr6:146,434,422, C>T. VCF-style: chr6-146434422-C-T. GRCh37 (hg19) VCF-style: chr6-146755558-C-T.
Other names: p.Pro1071Ser; c.*575C>T (NM_001278065.2); c.*540C>T (NM_001278066.1); c.*449C>T (NM_001278067.1); short protein forms P1071S.
Identifiers: ClinVar variation 3379718 (VCV003379718.1).